The following is an entry in ClinVar:

ClinVar aggregate classification (germline): Conflicting classifications of pathogenicity. Review status: criteria provided, conflicting classifications (1 of 4 stars). 7 submissions from 6 submitters: Uncertain significance (2); Benign (1); Likely benign (4). Last evaluated 2026-01-07.

Conditions:
SOS1-related disorder. Also called: SOS1-related condition.
Cardiovascular phenotype. Identifiers: MedGen CN230736.
RASopathy. Also called: rasopathies; Noonan spectrum disorder. Identifiers: Orphanet 536391, MedGen C5555857, MONDO:0021060.
Fibromatosis, gingival, 1 (GINGF1). Identifiers: Orphanet 2024, MedGen C4551558, MONDO:0007609, OMIM 135300.
Noonan syndrome 4 (NS4). Also called: NOONAN SYNDROME WITH PIGMENTED VILLONODULAR SYNOVITIS; SOS1-Related Noonan Syndrome. Identifiers: Orphanet 648, MedGen C1853120, MONDO:0012547, OMIM 610733.

Allele frequency attached by ClinVar (database versions not stated): gnomAD exomes 0.00001 and 0.00006; ExAC 0.00003; TOPMed 0.00004; gnomAD 0.00005; 1000 Genomes Project 30x 0.00016; 1000 Genomes Project 0.00020.
gnomAD v4.1: 27 of 1,593,822 alleles (0.0017%); highest among the groups gnomAD compares: East Asian, 0.058%; no homozygotes.

Submissions (7):

Labcorp Genetics (formerly Invitae), Labcorp
Classification: Likely benign for RASopathy. Last evaluated: 2026-01-07. Review status: criteria provided, single submitter. Criteria: Invitae Variant Classification Sherloc (09022015). Collection method: clinical testing. Allele origin: germline.

PreventionGenetics, part of Exact Sciences
Classification: Likely benign for SOS1-related condition. Last evaluated: 2026-01-05. Review status: criteria provided, single submitter. Criteria: ACMG Guidelines, 2015. Collection method: clinical testing. Allele origin: germline.
Comment: This variant is classified as likely benign based on ACMG/AMP sequence variant interpretation guidelines (Richards et al. 2015 PMID: 25741868, with internal and published modifications).

Ambry Genetics
Classification: Benign for Cardiovascular phenotype. Last evaluated: 2023-05-23. Review status: criteria provided, single submitter. Criteria: Ambry Variant Classification Scheme 2023. Collection method: clinical testing. Allele origin: germline.

Blueprint Genetics
Classification: Likely benign. Last evaluated: 2022-10-26. Review status: criteria provided, single submitter. Criteria: ACMG Guidelines, 2015. Collection method: clinical testing. Allele origin: germline.

Illumina Laboratory Services, Illumina
Classification: Uncertain significance for Noonan syndrome 4. Last evaluated: 2018-01-12. Review status: criteria provided, single submitter. Criteria: ICSL Variant Classification Criteria 13 December 2019. Collection method: clinical testing. Allele origin: germline.

Illumina Laboratory Services, Illumina
Classification: Likely benign for Fibromatosis, gingival, 1. Last evaluated: 2018-01-12. Review status: criteria provided, single submitter. Criteria: ICSL Variant Classification Criteria 13 December 2019. Collection method: clinical testing. Allele origin: germline.
Comment: This variant was observed in the ICSL laboratory as part of a predisposition screen in an ostensibly healthy population. It had not been previously curated by ICSL or reported in the Human Gene Mutation Database (HGMD: prior to June 1st, 2018), and was therefore a candidate for classification through an automated scoring system. Utilizing variant allele frequency, disease prevalence and penetrance estimates, and inheritance mode, an automated score was calculated to assess if this variant is too frequent to cause the disease. Based on the score and internal cut-off values, a variant classified as likely benign is not then subjected to further curation. The score for this variant resulted in a classification of likely benign for this disease.

Laboratory for Molecular Medicine, Mass General Brigham Personalized Medicine
Classification: Uncertain significance. Last evaluated: 2017-08-21. Review status: criteria provided, single submitter. Criteria: LMM Criteria. Collection method: clinical testing. Allele origin: germline. Observed: 1 variant allele.
Comment: proposed classification - variant undergoing re-assessment, contact laboratory

NM_005633.4(SOS1):c.587C>T (p.Ser196Leu)

Gene: SOS1 (SOS Ras/Rac guanine nucleotide exchange factor 1; minus strand). Cytogenetic location: 2p22.1.
Variant type: single nucleotide variant.
Coding change: c.587C>T on transcript NM_005633.4 (MANE Select); coding-DNA position 587, C replaced by T.
Protein change: p.Ser196Leu; replaces serine 196 with leucine.
Molecular consequence: missense variant.
Genome position (GRCh38, 1-based): chr2:39,054,747, G>A on the plus strand (C>T on the coding strand, the complement: SOS1 is on the minus strand). VCF-style: chr2-39054747-G-A. GRCh37 (hg19) VCF-style: chr2-39281888-G-A.
Other names: c.566C>T, p.Ser189Leu (NM_001382394.1); c.587C>T, p.Ser196Leu (NM_001382395.1); short protein forms S196L, S189L.
Identifiers: ClinVar variation 229263 (VCV000229263.24), dbSNP rs199898869, ClinGen allele CA1624759.